The following is an entry in ClinVar:

NM_144643.4(SCLT1):c.1579A>T (p.Thr527Ser)

Gene: SCLT1 (sodium channel and clathrin linker 1; minus strand). Cytogenetic location: 4q28.2.
Variant type: single nucleotide variant.
Coding change: c.1579A>T on transcript NM_144643.4 (MANE Select); coding-DNA position 1579, A replaced by T.
Protein change: p.Thr527Ser; replaces threonine 527 with serine.
Molecular consequence: missense variant.
Genome position (GRCh38, 1-based): chr4:128,943,049, T>A on the plus strand (A>T on the coding strand, the complement: SCLT1 is on the minus strand). VCF-style: chr4-128943049-T-A. GRCh37 (hg19) VCF-style: chr4-129864204-T-A.
Other names: c.1579A>T (NM_144643.3); short protein forms T527S.
Identifiers: ClinVar variation 1011011 (VCV001011011.7), dbSNP rs780130683, ClinGen allele CA358186051.

ClinVar aggregate classification (germline): Uncertain significance. Review status: criteria provided, single submitter (1 of 4 stars). 2 submissions from 2 submitters: Uncertain significance (1). 1 of the submissions does not count toward it. Last evaluated 2022-09-27.

Conditions:
SCLT1-related disorder. Also called: SCLT1-related condition.

gnomAD v4.1: 6 of 1,613,156 alleles (0.00037%); highest among the groups gnomAD compares: Non-Finnish European, 0.00051%; no homozygotes.

Submissions (2):

Labcorp Genetics (formerly Invitae), Labcorp
Classification: Uncertain significance. Last evaluated: 2022-09-27. Review status: criteria provided, single submitter. Criteria: Invitae Variant Classification Sherloc (09022015). Collection method: clinical testing. Allele origin: germline.
Comment: This variant has not been reported in the literature in individuals affected with SCLT1-related conditions. In summary, the available evidence is currently insufficient to determine the role of this variant in disease. Therefore, it has been classified as a Variant of Uncertain Significance. Algorithms developed to predict the effect of missense changes on protein structure and function (SIFT, PolyPhen-2, Align-GVGD) all suggest that this variant is likely to be tolerated. ClinVar contains an entry for this variant (Variation ID: 1011011). This variant is not present in population databases (gnomAD no frequency). This sequence change replaces threonine, which is neutral and polar, with serine, which is neutral and polar, at codon 527 of the SCLT1 protein (p.Thr527Ser).

PreventionGenetics, part of Exact Sciences
Classification: Uncertain significance for SCLT1-related condition. Last evaluated: 2024-09-01. Review status: no assertion criteria provided. Collection method: clinical testing. Allele origin: germline. Not counted in ClinVar's aggregate classification.
Comment: The SCLT1 c.1579A>T variant is predicted to result in the amino acid substitution p.Thr527Ser. To our knowledge, this variant has not been reported in the literature or in a large population database, indicating this variant is rare. At this time, the clinical significance of this variant is uncertain due to the absence of conclusive functional and genetic evidence.